The following is an entry in ClinVar:

NM_000059.4(BRCA2):c.2309_2313del (p.Ile770fs)

Gene: BRCA2 (BRCA2 DNA repair associated; plus strand). Cytogenetic location: 13q13.1.
Variant type: Deletion.
Coding change: c.2309_2313del on transcript NM_000059.4 (MANE Select); coding-DNA positions 2309 to 2313, 5 bases deleted (TTTTA; older notation c.2309_2313delTTTTA).
Protein change: p.Ile770fs; shifts the reading frame from isoleucine 770.
Molecular consequence: frameshift variant.
Genome position (GRCh38, 1-based): chr13:32,336,664-32,336,668, TTTTA deleted; deleting any 5 consecutive bases within chr13:32,336,661-32,336,668 gives the same sequence; the c. name uses the placement nearest the transcript's 3' end. VCF-style (leftmost placement, unchanged base first): chr13-32336660-CTTATT-C. GRCh37 (hg19) VCF-style: chr13-32910797-CTTATT-C.
Other names: c.2309_2313del (NM_000059.3); short protein forms I770fs.
Identifiers: ClinVar variation 821083 (VCV000821083.13), dbSNP rs1593896605, ClinGen allele CA915946984.
Genomic context (GRCh38, chr13:32,336,660, plus strand): 5'-AGTGATACTGACTTTCAATCCCAGAAAAGTCTTTTATATGATCATGAAAATGCCAGCACT[CTTATT>C]TTAACTCCTACTTCCAAGGATGTTCTGTCAAACCTAGTCATGATTTCTAGAGGCAAAGAA-3'

ClinVar aggregate classification (germline): Pathogenic/Likely pathogenic. Review status: criteria provided, multiple submitters, no conflicts (2 of 4 stars). 3 submissions from 3 submitters: Pathogenic (2); Likely pathogenic (1). Last evaluated 2023-09-26.

Conditions:
Hereditary breast ovarian cancer syndrome. Also called: Hereditary breast and/or ovarian cancer syndrome; BRCA1- and BRCA2-Associated Hereditary Breast and Ovarian Cancer; Hereditary breast and ovarian cancer syndrome; Hereditary breast and ovarian cancer; Hereditary breast and ovarian cancer syndrome (HBOC); Breast and ovarian cancer. Identifiers: Orphanet 145, MedGen C0677776, MeSH D061325, MONDO:0003582. Disease mechanism: loss of function.
Hereditary cancer-predisposing syndrome. Also called: Neoplastic Syndromes, Hereditary; Tumor predisposition; Hereditary Cancer Syndrome; Hereditary neoplastic syndrome. Identifiers: Orphanet 140162, MedGen C0027672, MeSH D009386, MONDO:0015356.
Familial cancer of breast. Also called: BREAST CANCER, FAMILIAL; Hereditary breast cancer; hereditary breast carcinoma. Identifiers: Orphanet 227535, MedGen C0346153, MONDO:0016419, OMIM 114480. Disease mechanism: loss of function.

Submissions (3):

Labcorp Genetics (formerly Invitae), Labcorp
Classification: Pathogenic for Hereditary breast ovarian cancer syndrome. Last evaluated: 2023-09-26. Review status: criteria provided, single submitter. Criteria: Invitae Variant Classification Sherloc (09022015). Collection method: clinical testing. Allele origin: germline.
Comment: This sequence change creates a premature translational stop signal (p.Ile770Asnfs*16) in the BRCA2 gene. It is expected to result in an absent or disrupted protein product. Loss-of-function variants in BRCA2 are known to be pathogenic (PMID: 20104584). This variant is not present in population databases (gnomAD no frequency). For these reasons, this variant has been classified as Pathogenic. ClinVar contains an entry for this variant (Variation ID: 821083). This variant has not been reported in the literature in individuals affected with BRCA2-related conditions.

Baylor Genetics
Classification: Likely pathogenic for Familial cancer of breast. Last evaluated: 2022-03-13. Review status: criteria provided, single submitter. Criteria: ACMG Guidelines, 2015. Collection method: clinical testing. Allele origin: unknown.

Ambry Genetics
Classification: Pathogenic for Hereditary cancer-predisposing syndrome. Last evaluated: 2018-11-01. Review status: criteria provided, single submitter. Criteria: Ambry Variant Classification Scheme 2023. Collection method: clinical testing. Allele origin: germline.
Comment: The c.2309_2313delTTTTA pathogenic mutation, located in coding exon 10 of the BRCA2 gene, results from a deletion of 5 nucleotides at nucleotide positions 2309 to 2313, causing a translational frameshift with a predicted alternate stop codon (p.I770Nfs*16). This alteration is expected to result in loss of function by premature protein truncation or nonsense-mediated mRNA decay. As such, this alteration is interpreted as a disease-causing mutation.

Literature cited by the submitters: PubMed 20104584 (cited by Labcorp Genetics (formerly Invitae), Labcorp).